The following is an entry in ClinVar:

NM_000297.4(PKD2):c.459_460delinsA (p.Arg154fs)

Genes: PKD2 (polycystin 2, transient receptor potential cation channel; plus strand), LOC129992813 (ATAC-STARR-seq lymphoblastoid silent region 15559; plus strand). Cytogenetic location: 4q22.1.
Variant type: Indel.
Coding change: c.459_460delinsA on transcript NM_000297.4 (MANE Select); coding-DNA positions 459 to 460, GC replaced by A.
Protein change: p.Arg154fs; shifts the reading frame from arginine 154.
Molecular consequence: frameshift variant. On other transcripts: non-coding transcript variant (1).
Genome position (GRCh38, 1-based): chr4:88,008,192-88,008,193, GC replaced by A. VCF-style: chr4-88008192-GC-A. GRCh37 (hg19) VCF-style: chr4-88929344-GC-A.
Other names: c.459_460delinsA, p.Arg154fs (NM_001440544.1); short protein forms R154fs.
Identifiers: ClinVar variation 4537449 (VCV004537449.1).
Genomic context (GRCh38, chr4:88,008,192, plus strand): 5'-CGTGGGCGCGCGGAGCCGGGGGCTTGGGGGCTACCACGGCGCGGGCCACCCGAGCGGGAG[GC>A]GGCGCCGGCGAGAGGACCAGGGCCCGCCGTGCCCCAGCCCAGTCGGCGGCGGGGACCCGC-3'

ClinVar aggregate classification (germline): Pathogenic (1 of 4 stars; one submission).

Conditions:
Cystic renal disease.

Submission:

Genetics Laboratory, Great Ormond Street Hospital NHS Foundation Trust, North Thames Genomic Laboratory Hub
Classification: Pathogenic for Cystic renal disease. Last evaluated: 2025-10-15. Review status: criteria provided, single submitter. Criteria: ACGS Best Practice Guidelines for Variant Classification in Rare Disease 2024 v1.2. Collection method: clinical testing. Allele origin: germline. Affected: yes.
Comment: PM2_moderate, PVS1_very-strong